The following is an entry in ClinVar:

NM_001130987.2(DYSF):c.3550G>T (p.Ala1184Ser)

Gene: DYSF (dysferlin; plus strand). Cytogenetic location: 2p13.2.
Variant type: single nucleotide variant.
Coding change: c.3550G>T on transcript NM_001130987.2 (MANE Select); coding-DNA position 3550, G replaced by T.
Protein change: p.Ala1184Ser; replaces alanine 1184 with serine.
Molecular consequence: missense variant.
Genome position (GRCh38, 1-based): chr2:71,590,264, G>T. VCF-style: chr2-71590264-G-T. GRCh37 (hg19) VCF-style: chr2-71817394-G-T.
Other names: c.3499G>T, p.Ala1167Ser (NM_001130455.2, NM_001130983.2); c.3454G>T, p.Ala1152Ser (NM_001130976.2, NM_001130977.2); c.3496G>T, p.Ala1166Ser (NM_001130978.2, NM_003494.4); c.3589G>T, p.Ala1197Ser (NM_001130979.2); c.3547G>T, p.Ala1183Ser (NM_001130980.2, NM_001130981.2); c.3592G>T, p.Ala1198Ser (NM_001130982.2); c.3457G>T, p.Ala1153Ser (NM_001130984.2, NM_001130986.2); c.3550G>T, p.Ala1184Ser (NM_001130985.2); short protein forms A1152S, A1167S, A1184S, A1198S, A1153S, A1166S, A1183S, A1197S.
Identifiers: ClinVar variation 1525221 (VCV001525221.8), dbSNP rs369341163, ClinGen allele CA1706623.
Genomic context (GRCh38, chr2:71,590,264, plus strand): 5'-GGTGAAGATGGGAACCGCTACCATCTACGCTGCTACATGTACCAGGCCCGGGACCTGGCT[G>T]CGATGGACAAGGACTCTTTTTCTGGTAGGTGGGAGAGAGGCAGGAGAGTCAGAGACTGTG-3'
Protein context (NP_001124459.1, residues 1174-1194): CYMYQARDLA[Ala1184Ser]MDKDSFSDPY

ClinVar aggregate classification (germline): Uncertain significance. Review status: criteria provided, multiple submitters, no conflicts (2 of 4 stars). 2 submissions from 2 submitters: Uncertain significance (2). Last evaluated 2021-12-15.

Conditions:
Neuromuscular disease caused by qualitative or quantitative defects of dysferlin. Also called: Dysferlinopathy; Qualitative or quantitative defects of dysferlin. Identifiers: Orphanet 207073, MedGen C2931687, MONDO:0016145.

Allele frequency attached by ClinVar (database versions not stated): gnomAD exomes below 0.00001; TOPMed below 0.00001; ExAC 0.00001; gnomAD 0.00001; ESP Exome Variant Server 0.00008.
gnomAD v4.1: 1 of 1,614,058 alleles (0.000062%); highest among the groups gnomAD compares: Non-Finnish European, 0.000085%; no homozygotes.

Submissions (2):

Labcorp Genetics (formerly Invitae), Labcorp
Classification: Uncertain significance for Neuromuscular disease caused by qualitative or quantitative defects of dysferlin. Last evaluated: 2021-12-15. Review status: criteria provided, single submitter. Criteria: Invitae Variant Classification Sherloc (09022015). Collection method: clinical testing. Allele origin: germline.
Comment: This variant has not been reported in the literature in individuals affected with DYSF-related conditions. In summary, the available evidence is currently insufficient to determine the role of this variant in disease. Therefore, it has been classified as a Variant of Uncertain Significance. Advanced modeling of protein sequence and biophysical properties (such as structural, functional, and spatial information, amino acid conservation, physicochemical variation, residue mobility, and thermodynamic stability) performed at Invitae indicates that this missense variant is not expected to disrupt DYSF protein function. This variant is present in population databases (rs369341163, gnomAD 0.0009%). This sequence change replaces alanine, which is neutral and non-polar, with serine, which is neutral and polar, at codon 1166 of the DYSF protein (p.Ala1166Ser).

Revvity Omics, Revvity
Classification: Uncertain significance. Last evaluated: 2021-12-13. Review status: criteria provided, single submitter. Criteria: ACMG Guidelines, 2015. Collection method: clinical testing. Allele origin: germline.